The following is an entry in ClinVar:

ClinVar aggregate classification (germline): Uncertain significance. Review status: criteria provided, multiple submitters, no conflicts (2 of 4 stars). 2 submissions from 2 submitters: Uncertain significance (2). Last evaluated 2022-12-28.

Conditions:
Inborn genetic diseases. Identifiers: MedGen C0950123, MeSH D030342.

Allele frequency attached by ClinVar (database versions not stated): gnomAD 0.00001; gnomAD exomes 0.00001; TOPMed 0.00001.
gnomAD v4.1: 18 of 1,614,148 alleles (0.0011%); highest among the groups gnomAD compares: Non-Finnish European, 0.0014%; no homozygotes.

Submissions (2):

Ambry Genetics
Classification: Uncertain significance for Inborn genetic diseases. Last evaluated: 2022-12-28. Review status: criteria provided, single submitter. Criteria: Ambry Variant Classification Scheme 2023. Collection method: clinical testing. Allele origin: germline.

Labcorp Genetics (formerly Invitae), Labcorp
Classification: Uncertain significance. Last evaluated: 2021-09-01. Review status: criteria provided, single submitter. Criteria: Invitae Variant Classification Sherloc (09022015). Collection method: clinical testing. Allele origin: germline.
Comment: This sequence change replaces glutamine with arginine at codon 1471 of the TRPM1 protein (p.Gln1471Arg). The glutamine residue is weakly conserved and there is a small physicochemical difference between glutamine and arginine. This variant is not present in population databases (ExAC no frequency). This variant has not been reported in the literature in individuals affected with TRPM1-related conditions. Algorithms developed to predict the effect of missense changes on protein structure and function output the following: SIFT: "Tolerated"; PolyPhen-2: "Benign"; Align-GVGD: "Class C0". The arginine amino acid residue is found in multiple mammalian species, which suggests that this missense change does not adversely affect protein function. In summary, the available evidence is currently insufficient to determine the role of this variant in disease. Therefore, it has been classified as a Variant of Uncertain Significance.

NM_001252024.2(TRPM1):c.4478A>G (p.Gln1493Arg)

Gene: TRPM1 (transient receptor potential cation channel subfamily M member 1; minus strand). Cytogenetic location: 15q13.3.
Variant type: single nucleotide variant.
Coding change: c.4478A>G on transcript NM_001252024.2 (MANE Select); coding-DNA position 4478, A replaced by G.
Protein change: p.Gln1493Arg; replaces glutamine 1493 with arginine.
Molecular consequence: missense variant.
Genome position (GRCh38, 1-based): chr15:31,002,222, T>C on the plus strand (A>G on the coding strand, the complement: TRPM1 is on the minus strand). VCF-style: chr15-31002222-T-C. GRCh37 (hg19) VCF-style: chr15-31294425-T-C.
Other names: c.4529A>G, p.Gln1510Arg (NM_001252020.2); c.4412A>G, p.Gln1471Arg (NM_002420.6); c.4412A>G (NM_002420.4); short protein forms Q1471R, Q1493R, Q1510R.
Identifiers: ClinVar variation 1051226 (VCV001051226.8), dbSNP rs1238592103, ClinGen allele CA391523559.